The following is an entry in ClinVar:

NM_021625.5(TRPV4):c.2396C>T (p.Pro799Leu)

Gene: TRPV4 (transient receptor potential cation channel subfamily V member 4; minus strand). Cytogenetic location: 12q24.11.
Variant type: single nucleotide variant.
Coding change: c.2396C>T on transcript NM_021625.5 (MANE Select); coding-DNA position 2396, C replaced by T.
Protein change: p.Pro799Leu; replaces proline 799 with leucine.
Molecular consequence: missense variant.
Genome position (GRCh38, 1-based): chr12:109,784,378, G>A on the plus strand (C>T on the coding strand, the complement: TRPV4 is on the minus strand). VCF-style: chr12-109784378-G-A. GRCh37 (hg19) VCF-style: chr12-110222183-G-A.
Other names: P799L; c.2255C>T, p.Pro752Leu (NM_001177428.2); c.2294C>T, p.Pro765Leu (NM_001177431.2); c.2075C>T, p.Pro692Leu (NM_001177433.2); c.2216C>T, p.Pro739Leu (NM_147204.3); short protein forms P692L, P752L, P739L, P765L.
Identifiers: ClinVar variation 4998 (VCV000004998.63), dbSNP rs121912637, ClinGen allele CA117176.

ClinVar aggregate classification (germline): Pathogenic. Review status: criteria provided, multiple submitters, no conflicts (2 of 4 stars). 17 submissions from 16 submitters: Pathogenic (14). 3 of the submissions do not count toward it. Last evaluated 2025-08-19.

Conditions:
TRPV4-related disorder. Also called: TRPV4-related condition; TRPV4-related disorders.
Inborn genetic diseases. Identifiers: MedGen C0950123, MeSH D030342.
Skeletal dysplasia. Also called: Primary bone dysplasia. Identifiers: Orphanet 364526, MedGen C0410528, MONDO:0018230, HP:0002652.
Spondyloepimetaphyseal dysplasia, Maroteaux type (SEDM). Also called: PSEUDO-MORQUIO SYNDROME, TYPE 2; Spondyloepimetaphyseal Dysplasia, TRPV4-Related (Maroteaux Type); SED, MAROTEAUX TYPE. Identifiers: Orphanet 263482, MedGen C3159322, MONDO:0008473, OMIM 184095.
Parastremmatic dwarfism. Identifiers: Orphanet 2646, MedGen C1868616, MONDO:0008196, OMIM 168400.
Charcot-Marie-Tooth disease axonal type 2C (HMSN2C). Also called: Charcot-Marie-Tooth Disease Type 2, TRPV4-Related (CMT2C); CHARCOT-MARIE-TOOTH DISEASE, AXONAL, AUTOSOMAL DOMINANT, TYPE 2C; Charcot-Marie-Tooth Neuropathy Type 2C. Identifiers: Orphanet 99937, MedGen C1853710, MONDO:0011633, OMIM 606071.
Metatropic dysplasia (MTD). Also called: METATROPIC DWARFISM; Metatropic Dysplasia, TRPV4-Related; Metatropic dysplasia, nonlethal dominant. Identifiers: Orphanet 2635, MedGen C0265281, MONDO:0007986, OMIM 156530.
Spondylometaphyseal dysplasia, Kozlowski type (SMDK). Also called: Dysmorphism arthrogryposis skeletal maturation advanced; Jequier-Kozlowski syndrome; Skeletal dysplasia Jequier-Kozlowski type; SMD Kozlowski type; Spondylometaphyseal Dysplasia, TRPV4-Related (Kozlowski Type). Identifiers: Orphanet 93314, MedGen C0265280, MONDO:0008477, OMIM 184252.

Submissions (17):

3billion
Classification: Pathogenic for TRPV4-related disorder. Last evaluated: 2025-08-19. Review status: criteria provided, single submitter. Criteria: ACMG Guidelines, 2015. Collection method: clinical testing. Allele origin: germline. Affected: yes.
Comment: The variant is not observed in the gnomAD v4.1.0 dataset. Predicted Consequence/Location: Missense variant. Missense changes are a common disease-causing mechanism. Functional studies provide moderate evidence of the variant having a damaging effect on the gene or gene product (PMID: 20425821). In silico tool predictions suggest damaging effect of the variant on gene or gene product [REVEL: 0.85 (>=0.6, sensitivity 0.68 and specificity 0.92); 3Cnet: 0.98 (> 0.75, sensitivity 0.96 and precision 0.92)]. The same nucleotide change resulting in the same amino acid change has been previously reported as pathogenic/likely pathogenic with strong evidence (ClinVar ID: VCV000004998 /PMID: 19232556 /3billion dataset). Different missense changes at the same codon (p.Pro799Ala, p.Pro799Arg, p.Pro799Ser) have been reported to be associated with TRPV4-related disorder (ClinVar ID: VCV000018430, VCV000018431, VCV000018432 /PMID: 20577006). Therefore, this variant is classified as Pathogenic according to the recommendation of ACMG/AMP guideline.

Labcorp Genetics (formerly Invitae), Labcorp
Classification: Pathogenic for Charcot-Marie-Tooth disease axonal type 2C. Last evaluated: 2025-08-18. Review status: criteria provided, single submitter. Criteria: Invitae Variant Classification Sherloc (09022015). Collection method: clinical testing. Allele origin: germline.
Comment: This sequence change replaces proline, which is neutral and non-polar, with leucine, which is neutral and non-polar, at codon 799 of the TRPV4 protein (p.Pro799Leu). This variant is not present in population databases (gnomAD no frequency). This missense change has been observed in individual(s) with metatropic and spondylometaphyseal dysplasia (PMID: 19232556, 20425821, 20503319, 20577006, 21658220). In at least one individual the variant was observed to be de novo. ClinVar contains an entry for this variant (Variation ID: 4998). Invitae Evidence Modeling of protein sequence and biophysical properties (such as structural, functional, and spatial information, amino acid conservation, physicochemical variation, residue mobility, and thermodynamic stability) has been performed for this missense variant. However, the output from this modeling did not meet the statistical confidence thresholds required to predict the impact of this variant on TRPV4 protein function. Experimental studies have shown that this missense change affects TRPV4 function (PMID: 20425821, 21573172, 26170305, 26249260). For these reasons, this variant has been classified as Pathogenic.

Institute of Human Genetics Munich, TUM University Hospital
Classification: Pathogenic for Metatropic dysplasia. Last evaluated: 2024-08-14. Review status: criteria provided, single submitter. Criteria: Classification criteria August 2017. Collection method: clinical testing. Allele origin: de novo. Inheritance: Autosomal dominant inheritance. Affected: yes. Observed: 1 variant allele.

GeneDx
Classification: Pathogenic. Last evaluated: 2023-09-01. Review status: criteria provided, single submitter. Criteria: GeneDx Variant Classification Process June 2021. Collection method: clinical testing. Allele origin: germline. Affected: yes.
Comment: In silico analysis supports that this missense variant has a deleterious effect on protein structure/function; Published functional studies demonstrate a damaging effect as this variant increases the activity of the TRPV4 cation channel (Camacho et al., 2010; Loukin et al., 2011; Loukin et al., 2015); Not observed at significant frequency in large population cohorts (gnomAD); This variant is associated with the following publications: (PMID: 19232556, 21573172, 20577006, 20425821, 26249260, 21658220, 31808622, 33710406, 20503319, 26170305)

Division of Human Genetics, National Health Laboratory Service/University of the Witwatersrand
Classification: Pathogenic for Metatropic dysplasia. Last evaluated: 2023-07-01. Review status: criteria provided, single submitter. Criteria: ACMG Guidelines, 2015. Collection method: research. Allele origin: germline. Affected: yes.

Laboratory of Medical Genetics, National & Kapodistrian University of Athens
Classification: Pathogenic for Spondyloepimetaphyseal dysplasia, Maroteaux type. Last evaluated: 2023-06-14. Review status: criteria provided, single submitter. Criteria: ACMG Guidelines, 2015. Collection method: clinical testing. Allele origin: germline. Affected: yes.
Comment: PS3, PS4, PM1, PM2, PM5, PP3, PP5

CeGaT Center for Human Genetics Tuebingen
Classification: Pathogenic. Last evaluated: 2020-10-01. Review status: criteria provided, single submitter. Criteria: CeGaT Center For Human Genetics Tuebingen Variant Classification Criteria Version 2. Collection method: clinical testing. Allele origin: germline. Affected: yes. Observed: 1 variant allele.

Blueprint Genetics
Classification: Pathogenic for TRPV4-related disorders. Last evaluated: 2020-07-30. Review status: criteria provided, single submitter. Criteria: ACMG Guidelines, 2015. Collection method: clinical testing. Allele origin: germline. Affected: yes. Observed: 1 variant allele.

Centre for Mendelian Genomics, University Medical Centre Ljubljana
Classification: Pathogenic for Charcot-Marie-Tooth disease axonal type 2C. Last evaluated: 2019-05-20. Review status: criteria provided, single submitter. Criteria: ACMG Guidelines, 2015. Collection method: clinical testing. Allele origin: unknown. Affected: yes.
Comment: This variant was classified as: Pathogenic. The following ACMG criteria were applied in classifying this variant: PS1,PS3,PM1,PM2,PM5,PP3.

Ambry Genetics
Classification: Pathogenic for Inborn genetic diseases. Last evaluated: 2017-11-19. Review status: criteria provided, single submitter. Criteria: Ambry exome assertion method (8-5-2015). Collection method: clinical testing. Allele origin: germline. Affected: yes. Observed: 1 variant allele.

Institute of Human Genetics, University of Leipzig Medical Center
Classification: Pathogenic for Parastremmatic dwarfism. Last evaluated: 2017-11-09. Review status: criteria provided, single submitter. Criteria: ACMG Guidelines, 2015. Collection method: clinical testing. Allele origin: germline. Affected: yes. Observed: 1 variant allele.

Molecular Diagnostics Lab, Nemours Children's Health, Delaware
Classification: Pathogenic for Metatropic dysplasia. Last evaluated: 2016-06-21. Review status: criteria provided, single submitter. Criteria: ACMG Guidelines, 2015. Collection method: clinical testing. Allele origin: unknown. Affected: yes. Observed: 3 heterozygotes.

Clinical Biomedical Laboratory, Shriners Hospital For Children - Canada
Classification: Pathogenic for Metatropic dysplasia. Review status: criteria provided, single submitter. Criteria: ACMG Guidelines, 2015. Collection method: clinical testing. Allele origin: germline. Affected: yes.
Comment: This variant is absent in the Genome Aggregation Database (gnomAD v2.1.1), indicating it is very rare. Computational tools (REVEL: 0.85) suggest that the amino acid change is deleterious to protein function. The gene is associated with several skeletal dysplasias including metatropic dysplasia, which has considerable overlap with the phenotype of the proband. This variant has been reported in the literature as a cause of metatropic dysplasia (PMID 26249260). Based on the ACMG variant interpretation guidelines (criteria: PS3, PM2, PM5, PP2, PP3, PP4), the available evidence supports classification of this variant as pathogenic.

Neuberg Centre For Genomic Medicine, NCGM
Classification: Pathogenic for Spondylometaphyseal dysplasia, Kozlowski type. Review status: criteria provided, single submitter. Criteria: ACMG Guidelines, 2015. Collection method: clinical testing. Allele origin: germline. Inheritance: Autosomal dominant inheritance. Affected: yes.
Comment: The missense variant p.P799L in TRPV4 (NM_021625.4) has been reported previously in multiple affected indviduals with metatropic and spondylometaphyseal dyspalsia (Camacho et al,2010, Nishimura et al,2010). It is a hot spot mutation for metatropic dysplasia (Dai J et al,2010). Experimental studies have shown that this missense change results in constitutive activation of the TRPV4 protein channel (Loukin SH et al,2010; Hurd L et al, 2015). It has been submitted to ClinVar as Pathogenic.The p.P799L variant is novel (not in any individuals) in gnomAD Exomes and is novel (not in any individuals) in 1000 Genomes. There is a moderate physicochemical difference between proline and leucine. The p.P799L missense variant is predicted to be damaging by both SIFT and PolyPhen2. The proline residue at codon 799 of TRPV4 is conserved in all mammalian species. The nucleotide c.2396 in TRPV4 is predicted conserved by GERP++ and PhyloP across 100 vertebrates. For these reasons, this variant has been classified as Pathogenic.

OMIM
Classification: Pathogenic for METATROPIC DYSPLASIA. Last evaluated: 2010-10-01. Review status: no assertion criteria provided. Collection method: literature only. Allele origin: germline. Not counted in ClinVar's aggregate classification.

OMIM
Classification: Pathogenic for SPONDYLOEPIPHYSEAL DYSPLASIA, MAROTEAUX TYPE. Last evaluated: 2010-10-01. Review status: no assertion criteria provided. Collection method: literature only. Allele origin: germline. Not counted in ClinVar's aggregate classification.

GeneReviews
No classification provided. Condition: Skeletal dysplasia. Review status: no classification provided. Collection method: literature only. Allele origin: germline. Affected: yes. Not counted in ClinVar's aggregate classification.

Literature cited by the submitters: PubMed 20577006 (cited by 5 submitters); PubMed 20425821 (cited by 5 submitters); PubMed 19232556 (cited by 5 submitters); PubMed 20503319 (cited by 3 submitters); PubMed 21658220 (cited by Labcorp Genetics (formerly Invitae), Labcorp and OMIM); PubMed 21573172 (cited by Labcorp Genetics (formerly Invitae), Labcorp); PubMed 26170305 (cited by Labcorp Genetics (formerly Invitae), Labcorp); PubMed 26249260 (cited by Labcorp Genetics (formerly Invitae), Labcorp and Clinical Biomedical Laboratory, Shriners Hospital For Children - Canada); PubMed 17879966 (cited by OMIM); PubMed 6628444 (cited by OMIM); PubMed 14755468 (cited by OMIM); NCBI Bookshelf NBK201366 (cited by GeneReviews).